The following is an entry in ClinVar:

ClinVar aggregate classification (germline): Uncertain significance (1 of 4 stars; one submission).

Conditions:
Hypertrophic cardiomyopathy. Also called: HYPERTROPHIC MYOCARDIOPATHY. Identifiers: Orphanet 217569, MedGen C0007194, MeSH D002312, MONDO:0005045, HP:0001639.

Submission:

Labcorp Genetics (formerly Invitae), Labcorp
Classification: Uncertain significance for Hypertrophic cardiomyopathy. Last evaluated: 2025-11-23. Review status: criteria provided, single submitter. Criteria: Invitae Variant Classification Sherloc (09022015). Collection method: clinical testing. Allele origin: germline.
Comment: This variant, c.327_332del, results in the deletion of 2 amino acid(s) of the MYBPC3 protein (p.Pro110_Ala111del), but otherwise preserves the integrity of the reading frame. The frequency data for this variant in the population databases is considered unreliable, as metrics indicate poor data quality at this position in the gnomAD database. This variant has not been reported in the literature in individuals affected with MYBPC3-related conditions. Experimental studies and prediction algorithms are not available or were not evaluated, and the functional significance of this variant is currently unknown. In summary, the available evidence is currently insufficient to determine the role of this variant in disease. Therefore, it has been classified as a Variant of Uncertain Significance.

NM_000256.3(MYBPC3):c.315CCCTGC[2] (p.106PA[2])

Gene: MYBPC3 (myosin binding protein C3; minus strand). Cytogenetic location: 11p11.2.
Variant type: Microsatellite.
Coding change: c.315CCCTGC[2] on transcript NM_000256.3 (MANE Select); two copies in a row of the 6-base unit CCCTGC starting at c.315; the reference has three copies in a row; one copy, 6 bases deleted.
Protein change: p.106PA[2].
Molecular consequence: inframe deletion.
Genome position (GRCh38, 1-based): chr11:47,350,576-47,350,581, GCAGGG deleted on the plus strand (CCCTGC on the coding strand, the reverse complement: MYBPC3 is on the minus strand); deleting any 6 consecutive bases within chr11:47,350,576-47,350,595 gives the same sequence; the position shown is the placement nearest the transcript's 3' end. VCF-style (leftmost placement, unchanged base first): chr11-47350575-AGCAGGG-A. GRCh37 (hg19) VCF-style: chr11-47372126-AGCAGGG-A.
Identifiers: ClinVar variation 1371765 (VCV001371765.8), dbSNP rs1216799257, ClinGen allele CA599060864.